The following is an entry in ClinVar:

NM_005022.4(PFN1):c.318dup (p.Asp107Ter)

Gene: PFN1 (profilin 1; minus strand). Cytogenetic location: 17p13.2.
Variant type: Duplication.
Coding change: c.318dup on transcript NM_005022.4 (MANE Select); coding-DNA position 318, one base duplicated (T; older notation c.318dupT).
Protein change: p.Asp107Ter; replaces aspartic acid 107 with a stop codon.
Molecular consequence: nonsense.
Genome position (GRCh38, 1-based): chr17:4,946,635, A duplicated on the plus strand (T on the coding strand, the reverse complement: PFN1 is on the minus strand). VCF-style (leftmost placement, unchanged base first): chr17-4946634-C-CA. GRCh37 (hg19) VCF-style: chr17-4849929-C-CA.
Other names: c.318dup, p.Asp107Ter (NM_001375991.1); short protein forms D107*.
Identifiers: ClinVar variation 1484659 (VCV001484659.8), dbSNP rs2151134648, ClinGen allele CA2573152981.

ClinVar aggregate classification (germline): Uncertain significance (1 of 4 stars; one submission).

Submission:

Labcorp Genetics (formerly Invitae), Labcorp
Classification: Uncertain significance. Last evaluated: 2021-04-05. Review status: criteria provided, single submitter. Criteria: Invitae Variant Classification Sherloc (09022015). Collection method: clinical testing. Allele origin: germline.
Comment: This variant has not been reported in the literature in individuals with PFN1-related conditions. This variant is not present in population databases (ExAC no frequency). This sequence change creates a premature translational stop signal (p.Asp107*) in the PFN1 gene. While this is not anticipated to result in nonsense mediated decay, it is expected to disrupt the last 34 amino acid(s) of the PFN1 protein. Experimental studies and prediction algorithms are not available or were not evaluated, and the functional significance of this variant is currently unknown. In summary, the available evidence is currently insufficient to determine the role of this variant in disease. Therefore, it has been classified as a Variant of Uncertain Significance.